The following is an entry in ClinVar:

ClinVar aggregate classification (germline): Conflicting classifications of pathogenicity. Review status: criteria provided, conflicting classifications (1 of 4 stars). 3 submissions from 3 submitters: Uncertain significance (1); Likely benign (1). 1 of the submissions does not count toward it. Last evaluated 2024-11-04.

Conditions:
AUH-related disorder. Also called: AUH-related condition.
3-methylglutaconic aciduria type 1 (MGCA1). Identifiers: Orphanet 67046, MedGen C0342727, MONDO:0009610, OMIM 250950.

Submissions (3):

Labcorp Genetics (formerly Invitae), Labcorp
Classification: Uncertain significance for 3-methylglutaconic aciduria type 1. Last evaluated: 2024-11-04. Review status: criteria provided, single submitter. Criteria: Invitae Variant Classification Sherloc (09022015). Collection method: clinical testing. Allele origin: germline.
Comment: This sequence change falls in intron 1 of the AUH gene. It does not directly change the encoded amino acid sequence of the AUH protein. This variant is present in population databases (rs752149463, gnomAD 0.02%). This variant has not been reported in the literature in individuals affected with AUH-related conditions. ClinVar contains an entry for this variant (Variation ID: 682577). Experimental studies and prediction algorithms are not available or were not evaluated, and the effect of this variant on mRNA splicing is currently unknown. In summary, the available evidence is currently insufficient to determine the role of this variant in disease. Therefore, it has been classified as a Variant of Uncertain Significance.

GeneDx
Classification: Likely benign. Last evaluated: 2018-04-25. Review status: criteria provided, single submitter. Criteria: GeneDx Variant Classification (06012015). Collection method: clinical testing. Allele origin: germline. Affected: yes.
Comment: This variant is considered likely benign or benign based on one or more of the following criteria: it is a conservative change, it occurs at a poorly conserved position in the protein, it is predicted to be benign by multiple in silico algorithms, and/or has population frequency not consistent with disease.

PreventionGenetics, part of Exact Sciences
Classification: Likely benign for AUH-related condition. Last evaluated: 2019-06-24. Review status: no assertion criteria provided. Collection method: clinical testing. Allele origin: germline. Not counted in ClinVar's aggregate classification.
Comment: This variant is classified as likely benign based on ACMG/AMP sequence variant interpretation guidelines (Richards et al. 2015 PMID: 25741868, with internal and published modifications).

NM_001698.3(AUH):c.263-5_263-2del

Gene: AUH (AU RNA binding methylglutaconyl-CoA hydratase; minus strand). Cytogenetic location: 9q22.31.
Variant type: Deletion.
Coding change: c.263-5_263-2del on transcript NM_001698.3 (MANE Select); 5 bases into the intron before coding-DNA position 263 through the canonical splice acceptor site of the intron before coding-DNA position 263, 4 bases deleted (ACTA; older notation c.263-5_263-2delACTA).
Molecular consequence: splice acceptor variant.
Genome position (GRCh38, 1-based): chr9:91,356,157-91,356,160, TAGT deleted on the plus strand (ACTA on the coding strand, the reverse complement: AUH is on the minus strand); deleting any 4 consecutive bases within chr9:91,356,157-91,356,162 gives the same sequence; the c. name uses the placement nearest the transcript's 3' end. VCF-style (leftmost placement, unchanged base first): chr9-91356156-CTAGT-C. GRCh37 (hg19) VCF-style: chr9-94118438-CTAGT-C.
Other names: c.263-5_263-2del (NM_001306190.2); c.-65-5_-65-2del (NM_001351433.2, NM_001351431.2, NM_001351432.2).
Identifiers: ClinVar variation 682577 (VCV000682577.9), dbSNP rs752149463, ClinGen allele CA5119904.